The following is an entry in ClinVar:

NM_001318852.2(MAPK8IP3):c.66C>T (p.Gly22=)

Gene: MAPK8IP3 (mitogen-activated protein kinase 8 interacting protein 3; plus strand). Cytogenetic location: 16p13.3.
Variant type: single nucleotide variant.
Coding change: c.66C>T on transcript NM_001318852.2 (MANE Select); coding-DNA position 66, C replaced by T.
Protein change: p.Gly22=; no amino-acid change (glycine 22 retained).
Molecular consequence: synonymous variant.
Genome position (GRCh38, 1-based): chr16:1,706,405, C>T. VCF-style: chr16-1706405-C-T. GRCh37 (hg19) VCF-style: chr16-1756406-C-T.
Other names: c.66C>T, p.Gly22= (NM_001040439.2, NM_015133.5).
Identifiers: ClinVar variation 718593 (VCV000718593.7), dbSNP rs116548805, ClinGen allele CA7816219.
Genomic context (GRCh38, chr16:1,706,405, plus strand): 5'-GGAGATCCAGATGGACGAGGGCGGCGGCGTGGTGGTGTACCAGGACGACTACTGCTCCGG[C>T]TCGGTGATGTCGGAGCGGGTGTCGGGCCTGGCGGGCTCCATCTACCGCGAGTTCGAGCGC-3'
Protein context (NP_001305781.1, residues 12-32): VVVYQDDYCS[Gly22=]SVMSERVSGL

ClinVar aggregate classification (germline): Benign. Review status: criteria provided, multiple submitters, no conflicts (2 of 4 stars). 3 submissions from 3 submitters: Benign (2). 1 of the submissions does not count toward it. Last evaluated 2019-12-31.

Conditions:
MAPK8IP3-related disorder. Also called: MAPK8IP3-related condition.

Allele frequency attached by ClinVar (database versions not stated): TOPMed 0.00882; ESP Exome Variant Server 0.00923; 1000 Genomes Project 0.01178; 1000 Genomes Project 30x 0.01296.
gnomAD v4.1: 2,702 of 1,613,468 alleles (0.17%); highest among the groups gnomAD compares: African/African-American, 2.8%; 33 homozygotes.

Submissions (3):

Labcorp Genetics (formerly Invitae), Labcorp
Classification: Benign. Last evaluated: 2019-12-31. Review status: criteria provided, single submitter. Criteria: Invitae Variant Classification Sherloc (09022015). Collection method: clinical testing. Allele origin: germline.

Breakthrough Genomics
Classification: Benign. Review status: criteria provided, single submitter. Criteria: ACMG Guidelines, 2015. Collection method: not provided. Allele origin: germline. Inheritance: Autosomal dominant inheritance. Affected: yes.

PreventionGenetics, part of Exact Sciences
Classification: Benign for MAPK8IP3-related condition. Last evaluated: 2019-11-12. Review status: no assertion criteria provided. Collection method: clinical testing. Allele origin: germline. Not counted in ClinVar's aggregate classification.
Comment: This variant is classified as benign based on ACMG/AMP sequence variant interpretation guidelines (Richards et al. 2015 PMID: 25741868, with internal and published modifications).